The following is an entry in ClinVar:

ClinVar aggregate classification (germline): Uncertain significance (1 of 4 stars; one submission).

Allele frequency attached by ClinVar (database versions not stated): gnomAD exomes below 0.00001; TOPMed below 0.00001; ExAC 0.00001; gnomAD 0.00001.
gnomAD v4.1: 2 of 1,614,110 alleles (0.00012%); highest among the groups gnomAD compares: African/African-American, 0.0027%; no homozygotes.

Submission:

Labcorp Genetics (formerly Invitae), Labcorp
Classification: Uncertain significance. Last evaluated: 2021-03-29. Review status: criteria provided, single submitter. Criteria: Invitae Variant Classification Sherloc (09022015). Collection method: clinical testing. Allele origin: germline.
Comment: In summary, the available evidence is currently insufficient to determine the role of this variant in disease. Therefore, it has been classified as a Variant of Uncertain Significance. Algorithms developed to predict the effect of missense changes on protein structure and function (SIFT, PolyPhen-2, Align-GVGD) all suggest that this variant is likely to be tolerated, but these predictions have not been confirmed by published functional studies and their clinical significance is uncertain. This variant has not been reported in the literature in individuals with CFB-related conditions. This variant is present in population databases (rs771049110, ExAC 0.01%). This sequence change replaces serine with threonine at codon 330 of the CFB protein (p.Ser330Thr). The serine residue is moderately conserved and there is a small physicochemical difference between serine and threonine.

NM_001710.6(CFB):c.989G>C (p.Ser330Thr)

Gene: CFB (complement factor B; plus strand). Cytogenetic location: 6p21.33.
Variant type: single nucleotide variant.
Coding change: c.989G>C on transcript NM_001710.6 (MANE Select); coding-DNA position 989, G replaced by C.
Protein change: p.Ser330Thr; replaces serine 330 with threonine.
Molecular consequence: missense variant.
Genome position (GRCh38, 1-based): chr6:31,948,465, G>C. VCF-style: chr6-31948465-G-C. GRCh37 (hg19) VCF-style: chr6-31916242-G-C.
Other names: short protein forms S330T.
Identifiers: ClinVar variation 1383161 (VCV001383161.8), dbSNP rs771049110, ClinGen allele CA3728201.